The following is an entry in ClinVar:

ClinVar aggregate classification (germline): Uncertain significance (1 of 4 stars; one submission).

Conditions:
DICER1-related tumor predisposition. Also called: DICER1-related pleuropulmonary blastoma cancer predisposition syndrome; DICER1 syndrome. Identifiers: Orphanet 284343, MedGen C3839822, MONDO:0100216.

Allele frequency attached by ClinVar (database versions not stated): gnomAD exomes below 0.00001.
gnomAD v4.1: 3 of 1,613,940 alleles (0.00019%); highest among the groups gnomAD compares: Non-Finnish European, 0.00025%; no homozygotes.

Submission:

Labcorp Genetics (formerly Invitae), Labcorp
Classification: Uncertain significance for DICER1-related tumor predisposition. Last evaluated: 2024-04-29. Review status: criteria provided, single submitter. Criteria: Invitae Variant Classification Sherloc (09022015). Collection method: clinical testing. Allele origin: germline.
Comment: This sequence change replaces glutamic acid, which is acidic and polar, with lysine, which is basic and polar, at codon 235 of the DICER1 protein (p.Glu235Lys). This variant is not present in population databases (gnomAD no frequency). This variant has not been reported in the literature in individuals affected with DICER1-related conditions. ClinVar contains an entry for this variant (Variation ID: 1479686). Advanced modeling of protein sequence and biophysical properties (such as structural, functional, and spatial information, amino acid conservation, physicochemical variation, residue mobility, and thermodynamic stability) performed at Invitae indicates that this missense variant is not expected to disrupt DICER1 protein function with a negative predictive value of 80%. In summary, the available evidence is currently insufficient to determine the role of this variant in disease. Therefore, it has been classified as a Variant of Uncertain Significance.

NM_177438.3(DICER1):c.703G>A (p.Glu235Lys)

Gene: DICER1 (dicer 1, ribonuclease III; minus strand). Cytogenetic location: 14q32.13.
Variant type: single nucleotide variant.
Coding change: c.703G>A on transcript NM_177438.3 (MANE Select); coding-DNA position 703, G replaced by A.
Protein change: p.Glu235Lys; replaces glutamic acid 235 with lysine.
Molecular consequence: missense variant.
Genome position (GRCh38, 1-based): chr14:95,129,503, C>T on the plus strand (G>A on the coding strand, the complement: DICER1 is on the minus strand). VCF-style: chr14-95129503-C-T. GRCh37 (hg19) VCF-style: chr14-95595840-C-T.
Other names: c.703G>A, p.Glu235Lys (NM_001195573.1, NM_001271282.3, NM_001291628.2 and 1 more transcripts); short protein forms E235K.
Identifiers: ClinVar variation 1479686 (VCV001479686.7), dbSNP rs2140260100, ClinGen allele CA390888023.
Genomic context (GRCh38, chr14:95,129,503, plus strand): 5'-TTAAAGCTGAGTCAATCAGAAGTGCATACCTGTCTAAGACCACCAGGTCAGTTGCAGTTT[C>T]AGCATTACTCTTAAGAATTTTCTCTAGTTTCTGAATCTTTTCTTCCAATTCCTCTGGATC-3'
Protein context (NP_803187.1, residues 225-245): KLEKILKSNA[Glu235Lys]TATDLVVLDR